The following is an entry in ClinVar:

ClinVar aggregate classification (germline): Pathogenic (1 of 4 stars; one submission).

Conditions:
Autosomal dominant nonsyndromic hearing loss 22. Also called: Autosomal dominant nonsyndromic deafness 22; DFNA 22. Identifiers: Orphanet 228012, MedGen C2931767, MONDO:0011660, OMIM 606346.

Submission:

Precision Medicine Center, Zhengzhou University
Classification: Pathogenic for Autosomal dominant nonsyndromic hearing loss 22. Last evaluated: 2006-06-30. Review status: criteria provided, single submitter. Criteria: ClinGen HL ACMG Specifications v1. Collection method: clinical testing. Allele origin: unknown. Affected: yes.
Comment: PVS1+PM2:The MYO6 c.1546+1G>A variant affects the canonical splice donor site at the +1 position of an intron and is predicted to disrupt normal RNA splicing. Loss of function is an established disease mechanism for MYO6-related hearing loss. Therefore, this variant is predicted to result in abnormal splicing, leading to an absent or disrupted protein product, meeting the PVS1 criterion. This variant is absent or extremely rare in population databases, including gnomAD, supporting its rarity in the general population (PM2). Based on the ACMG/AMP guidelines, this variant meets the criteria PVS1 and PM2, and is therefore classified as Pathogenic.

NM_004999.4(MYO6):c.1546+1G>A

Gene: MYO6 (myosin VI; plus strand). Cytogenetic location: 6q14.1.
Variant type: single nucleotide variant.
Coding change: c.1546+1G>A on transcript NM_004999.4 (MANE Select); the canonical splice donor site of the intron after coding-DNA position 1546, G replaced by A.
Molecular consequence: splice donor variant.
Genome position (GRCh38, 1-based): chr6:75,861,096, G>A. VCF-style: chr6-75861096-G-A. GRCh37 (hg19) VCF-style: chr6-76570813-G-A.
Other names: c.1546+1G>A (NM_001368865.1, NM_001368866.1, NM_001368137.1 and 2 more transcripts); c.1531+1G>A (NM_001368138.1).
Identifiers: ClinVar variation 4857376 (VCV004857376.1).